The following is an entry in ClinVar:

ClinVar aggregate classification (germline): Pathogenic (1 of 4 stars; one submission).

Conditions:
Cystic fibrosis (CF). Also called: MUCOVISCIDOSIS. Identifiers: Orphanet 586, MedGen C0010674, MONDO:0009061, OMIM 219700. Disease mechanism: loss of function.

Submission:

Institute of Human Genetics, University of Leipzig Medical Center
Classification: Pathogenic for Cystic fibrosis. Last evaluated: 2022-09-05. Review status: criteria provided, single submitter. Criteria: ACMG Guidelines, 2015. Collection method: curation. Allele origin: unknown. Affected: yes. Observed: 1 variant allele.
Comment: The variant was classified in the context of a project re-classifying variants in the German Cystic Fibrosis Registry (Muko.e.V.). Criteria applied: PVS1, PM2_SUP, PP4

NM_000492.4:c.(53+1_54-1)_(1209+1_1210+1)del

Gene: CFTR (CF transmembrane conductance regulator; plus strand).
Variant type: Deletion.
Other names: c.(53+1_54-1)_(1209+1_1210+1)del (NM_000492.4).
Identifiers: ClinVar variation 1706031 (VCV001706031.1).